The following is an entry in ClinVar:

ClinVar aggregate classification (germline): Uncertain significance (1 of 4 stars; one submission).

Conditions:
Familial thoracic aortic aneurysm and aortic dissection (TAAD). Also called: Thoracic aortic aneurysms and dissections. Identifiers: Orphanet 91387, MedGen C4707243, MONDO:0019625.

gnomAD v4.1: 6 of 1,551,812 alleles (0.00039%); highest among the groups gnomAD compares: Admixed American, 0.0039%; no homozygotes.

Submission:

Ambry Genetics
Classification: Uncertain significance for Familial thoracic aortic aneurysm and aortic dissection. Last evaluated: 2024-03-21. Review status: criteria provided, single submitter. Criteria: Ambry Variant Classification Scheme 2023. Collection method: clinical testing. Allele origin: germline.
Comment: The p.A520T variant (also known as c.1558G>A), located in coding exon 5 of the SKI gene, results from a G to A substitution at nucleotide position 1558. The alanine at codon 520 is replaced by threonine, an amino acid with similar properties. This amino acid position is conserved. In addition, the in silico prediction for this alteration is inconclusive. Based on the available evidence, the clinical significance of this alteration remains unclear.

NM_003036.4(SKI):c.1558G>A (p.Ala520Thr)

Gene: SKI (SKI proto-oncogene; plus strand). Cytogenetic location: 1p36.32.
Variant type: single nucleotide variant.
Coding change: c.1558G>A on transcript NM_003036.4 (MANE Select); coding-DNA position 1558, G replaced by A.
Protein change: p.Ala520Thr; replaces alanine 520 with threonine.
Molecular consequence: missense variant.
Genome position (GRCh38, 1-based): chr1:2,304,376, G>A. VCF-style: chr1-2304376-G-A. GRCh37 (hg19) VCF-style: chr1-2235815-G-A.
Other names: short protein forms A520T.
Identifiers: ClinVar variation 3318702 (VCV003318702.1).